The following is an entry in ClinVar:

ClinVar aggregate classification (germline): Pathogenic. Review status: criteria provided, multiple submitters, no conflicts (2 of 4 stars). 2 submissions from 2 submitters: Pathogenic (2). Last evaluated 2024-02-29.

Conditions:
Tuberous sclerosis 1 (TSC1). Identifiers: Orphanet 805, MedGen C1854465, MONDO:0008612, OMIM 191100.

Submissions (2):

Myriad Genetics, Inc.
Classification: Pathogenic for Tuberous sclerosis 1. Last evaluated: 2024-02-29. Review status: criteria provided, single submitter. Criteria: Myriad Autosomal Dominant, Autosomal Recessive and X-Linked Classification Criteria (2023). Collection method: clinical testing. Allele origin: unknown.
Comment: This variant is considered pathogenic. This variant creates a frameshift predicted to result in premature protein truncation.

Labcorp Genetics (formerly Invitae), Labcorp
Classification: Pathogenic for Tuberous sclerosis 1. Last evaluated: 2021-02-04. Review status: criteria provided, single submitter. Criteria: Invitae Variant Classification Sherloc (09022015). Collection method: clinical testing. Allele origin: germline.
Comment: For these reasons, this variant has been classified as Pathogenic. Loss-of-function variants in TSC1 are known to be pathogenic (PMID: 10227394, 17304050). This variant has not been reported in the literature in individuals with TSC1-related conditions. This variant is not present in population databases (ExAC no frequency). This sequence change creates a premature translational stop signal (p.Arg429Glnfs*8) in the TSC1 gene. It is expected to result in an absent or disrupted protein product.

Literature cited by the submitters: PubMed 10227394 (cited by Labcorp Genetics (formerly Invitae), Labcorp); PubMed 17304050 (cited by Labcorp Genetics (formerly Invitae), Labcorp).

NM_000368.5(TSC1):c.1285_1298del (p.Arg429fs)

Gene: TSC1 (TSC complex subunit 1; minus strand). Cytogenetic location: 9q34.13.
Variant type: Deletion.
Coding change: c.1285_1298del on transcript NM_000368.5 (MANE Select); coding-DNA positions 1285 to 1298, 14 bases deleted (AGACCATGTCTACA).
Protein change: p.Arg429fs; shifts the reading frame from arginine 429.
Molecular consequence: frameshift variant.
Genome position (GRCh38, 1-based): chr9:132,907,336-132,907,349, TGTAGACATGGTCT deleted on the plus strand (AGACCATGTCTACA on the coding strand, the reverse complement: TSC1 is on the minus strand); deleting any 14 consecutive bases within chr9:132,907,336-132,907,351 gives the same sequence; the c. name uses the placement nearest the transcript's 3' end. VCF-style (leftmost placement, unchanged base first): chr9-132907335-GTGTAGACATGGTCT-G. GRCh37 (hg19) VCF-style: chr9-135782722-GTGTAGACATGGTCT-G.
Other names: c.1282_1295del, p.Arg428fs (NM_001162426.2); c.1132_1145del, p.Arg378fs (NM_001162427.2); c.922_935del, p.Arg308fs (NM_001362177.2); short protein forms R308fs, R378fs, R428fs, R429fs.
Identifiers: ClinVar variation 1074020 (VCV001074020.8), dbSNP rs2131880971, ClinGen allele CA2499219718.